The following is an entry in ClinVar:

ClinVar aggregate classification (germline): Likely benign. Review status: criteria provided, multiple submitters, no conflicts (2 of 4 stars). 3 submissions from 3 submitters: Likely benign (2). 1 of the submissions does not count toward it. Last evaluated 2025-07-31.

Conditions:
TUB-related disorder. Also called: TUB-related condition.

Allele frequency attached by ClinVar (database versions not stated): gnomAD 0.00001 and 0.00002; gnomAD exomes 0.00002 and 0.00006; ExAC 0.00003; TOPMed 0.00004.
gnomAD v4.1: 35 of 1,614,038 alleles (0.0022%); highest among the groups gnomAD compares: East Asian, 0.0067%; no homozygotes.

Submissions (3):

Labcorp Genetics (formerly Invitae), Labcorp
Classification: Likely benign. Last evaluated: 2025-07-31. Review status: criteria provided, single submitter. Criteria: Invitae Variant Classification Sherloc (09022015). Collection method: clinical testing. Allele origin: germline.

Blueprint Genetics
Classification: Likely benign. Last evaluated: 2023-09-22. Review status: criteria provided, single submitter. Criteria: ACMG Guidelines, 2015. Collection method: clinical testing. Allele origin: germline.

PreventionGenetics, part of Exact Sciences
Classification: Likely benign for TUB-related condition. Last evaluated: 2019-06-20. Review status: no assertion criteria provided. Collection method: clinical testing. Allele origin: germline. Not counted in ClinVar's aggregate classification.
Comment: This variant is classified as likely benign based on ACMG/AMP sequence variant interpretation guidelines (Richards et al. 2015 PMID: 25741868, with internal and published modifications).

NM_177972.3(TUB):c.1269C>T (p.Ile423=)

Genes: RIC3 (RIC3 acetylcholine receptor chaperone; minus strand), TUB (TUB bipartite transcription factor; plus strand). Cytogenetic location: 11p15.4.
Variant type: single nucleotide variant.
Coding change: c.1269C>T on transcript NM_177972.3 (MANE Select); coding-DNA position 1269, C replaced by T.
Protein change: p.Ile423=; no amino-acid change (isoleucine 423 retained).
Molecular consequence: synonymous variant.
Genome position (GRCh38, 1-based): chr11:8,100,879, C>T. VCF-style: chr11-8100879-C-T. GRCh37 (hg19) VCF-style: chr11-8122426-C-T.
Other names: c.1434C>T, p.Ile478= (NM_003320.5); c.1434C>T (NM_003320.4).
Identifiers: ClinVar variation 1087933 (VCV001087933.10), dbSNP rs61733059, ClinGen allele CA5871458.